The following is an entry in ClinVar:

ClinVar aggregate classification (germline): Uncertain significance (1 of 4 stars; one submission).

Conditions:
Primary dilated cardiomyopathy (DCM). Also called: Dilated Cardiomyopathy. Identifiers: Orphanet 217604, MedGen C0007193, MeSH D002311, MONDO:0005021, HP:0001644. Inheritance: Various modes of inheritance.

Submission:

Labcorp Genetics (formerly Invitae), Labcorp
Classification: Uncertain significance for Primary dilated cardiomyopathy. Last evaluated: 2025-12-30. Review status: criteria provided, single submitter. Criteria: Invitae Variant Classification Sherloc (09022015). Collection method: clinical testing. Allele origin: germline.
Comment: This sequence change creates a premature translational stop signal (p.Ser238Leufs*3) in the FHL2 gene. While this is not anticipated to result in nonsense mediated decay, it is expected to disrupt the last 42 amino acid(s) of the FHL2 protein. This variant is not present in population databases (gnomAD no frequency). This variant has not been reported in the literature in individuals affected with FHL2-related conditions. In summary, the available evidence is currently insufficient to determine the role of this variant in disease. Therefore, it has been classified as a Variant of Uncertain Significance.

NM_001318895.3(FHL2):c.711dup (p.Ser238fs)

Genes: C2orf49 (chromosome 2 open reading frame 49; plus strand), FHL2 (four and a half LIM domains 2; minus strand). Cytogenetic location: 2q12.2.
Variant type: Duplication.
Coding change: c.711dup on transcript NM_001318895.3 (MANE Select); coding-DNA position 711, one base duplicated (C; older notation c.711dupC).
Protein change: p.Ser238fs; shifts the reading frame from serine 238.
Molecular consequence: frameshift variant.
Genome position (GRCh38, 1-based): chr2:105,361,412, G duplicated on the plus strand (C on the coding strand, the reverse complement: FHL2 is on the minus strand). VCF-style (leftmost placement, unchanged base first): chr2-105361411-A-AG. GRCh37 (hg19) VCF-style: chr2-105977868-A-AG.
Other names: c.711dup, p.Ser238fs (NM_001039492.3, NM_001318894.1, NM_001318896.2 and 4 more transcripts); c.369dup, p.Ser124fs (NM_001318897.2, NM_001318898.2); c.387dup, p.Ser130fs (NM_001318899.2); short protein forms S124fs, S130fs, S238fs.
Identifiers: ClinVar variation 4733714 (VCV004733714.1).
Genomic context (GRCh38, chr2:105,361,411, plus strand): 5'-GTGAGAGGGAGCACTTCTTACAGTTAAAGCAGTCGTTATGCCACTGCCGTTCCTCAAAGG[A>AG]GATGTATTTTGTGCCACCAAGTCCTGTTAACAGAGAGAAAATAATACCGGATGAAGAAAG-3'